The following is an entry in ClinVar:

ClinVar aggregate classification (germline): Uncertain significance. Review status: criteria provided, multiple submitters, no conflicts (2 of 4 stars). 3 submissions from 3 submitters: Uncertain significance (3). Last evaluated 2022-11-09.

Conditions:
Breast and/or ovarian cancer. Identifiers: MedGen CN221562.
Hereditary cancer-predisposing syndrome. Also called: Neoplastic Syndromes, Hereditary; Tumor predisposition; Hereditary Cancer Syndrome; Hereditary neoplastic syndrome. Identifiers: Orphanet 140162, MedGen C0027672, MeSH D009386, MONDO:0015356.
Hereditary nonpolyposis colorectal neoplasms. Identifiers: MedGen C0009405, MeSH D003123.

Submissions (3):

CHEO Genetics Diagnostic Laboratory, Children's Hospital of Eastern Ontario
Classification: Uncertain significance for Breast and/or ovarian cancer. Last evaluated: 2022-11-09. Review status: criteria provided, single submitter. Criteria: ACMG Guidelines, 2015. Collection method: clinical testing. Allele origin: germline.

Labcorp Genetics (formerly Invitae), Labcorp
Classification: Uncertain significance for Hereditary nonpolyposis colorectal neoplasms. Last evaluated: 2022-08-31. Review status: criteria provided, single submitter. Criteria: Invitae Variant Classification Sherloc (09022015). Collection method: clinical testing. Allele origin: germline.
Comment: This variant is not present in population databases (gnomAD no frequency). In summary, the available evidence is currently insufficient to determine the role of this variant in disease. Therefore, it has been classified as a Variant of Uncertain Significance. Algorithms developed to predict the effect of missense changes on protein structure and function (SIFT, PolyPhen-2, Align-GVGD) all suggest that this variant is likely to be disruptive. This variant has not been reported in the literature in individuals affected with MSH6-related conditions. This sequence change replaces lysine, which is basic and polar, with threonine, which is neutral and polar, at codon 693 of the MSH6 protein (p.Lys693Thr).

Ambry Genetics
Classification: Uncertain significance for Hereditary cancer-predisposing syndrome. Last evaluated: 2019-06-07. Review status: criteria provided, single submitter. Criteria: Ambry Variant Classification Scheme 2023. Collection method: clinical testing. Allele origin: germline.
Comment: The p.K693T variant (also known as c.2078A>C), located in coding exon 4 of the MSH6 gene, results from an A to C substitution at nucleotide position 2078. The lysine at codon 693 is replaced by threonine, an amino acid with similar properties. This amino acid position is highly conserved in available vertebrate species. In addition, this alteration is predicted to be deleterious by in silico analysis. In addition, the CoDP in silico tool predicts this alteration to have minor impact on molecular function, with a score of 0.480 (Terui H et al. J. Biomed. Sci. 2013 Apr;20:25). Since supporting evidence is limited at this time, the clinical significance of this alteration remains unclear.

NM_000179.3(MSH6):c.2078A>C (p.Lys693Thr)

Gene: MSH6 (mutS homolog 6; plus strand). Cytogenetic location: 2p16.3.
Variant type: single nucleotide variant.
Coding change: c.2078A>C on transcript NM_000179.3 (MANE Select); coding-DNA position 2078, A replaced by C.
Protein change: p.Lys693Thr; replaces lysine 693 with threonine.
Molecular consequence: missense variant.
Genome position (GRCh38, 1-based): chr2:47,800,061, A>C. VCF-style: chr2-47800061-A-C. GRCh37 (hg19) VCF-style: chr2-48027200-A-C.
Other names: c.1688A>C, p.Lys563Thr (NM_001281492.2); c.1172A>C, p.Lys391Thr (NM_001281493.2, NM_001281494.2, NM_001406811.1 and 6 more transcripts); c.2174A>C, p.Lys725Thr (NM_001406795.1, NM_001406802.1); c.2078A>C, p.Lys693Thr (NM_001406796.1, NM_001406798.1, NM_001406800.1 and 3 more transcripts); c.1781A>C, p.Lys594Thr (NM_001406797.1, NM_001406801.1, NM_001406805.1 and 10 more transcripts); c.1553A>C, p.Lys518Thr (NM_001406799.1, NM_001406806.1, NM_001406807.1); c.2000A>C, p.Lys667Thr (NM_001406804.1); c.2084A>C, p.Lys695Thr (NM_001406813.1); and 1 more; short protein forms K518T, K563T, K667T, K695T, K725T, K391T, K637T, K693T.
Identifiers: ClinVar variation 1785486 (VCV001785486.8), dbSNP rs2104387540, ClinGen allele CA346750812.